The following is an entry in ClinVar:

ClinVar aggregate classification (germline): Pathogenic (1 of 4 stars; one submission).

Conditions:
Juvenile polyposis syndrome (JPS). Identifiers: Orphanet 2929, MedGen C0345893, MONDO:0017380, OMIM 174900.

Submission:

Labcorp Genetics (formerly Invitae), Labcorp
Classification: Pathogenic for Juvenile polyposis syndrome. Last evaluated: 2023-02-16. Review status: criteria provided, single submitter. Criteria: Invitae Variant Classification Sherloc (09022015). Collection method: clinical testing. Allele origin: germline.
Comment: This sequence change creates a premature translational stop signal (p.Leu289Thrfs*9) in the BMPR1A gene. It is expected to result in an absent or disrupted protein product. Loss-of-function variants in BMPR1A are known to be pathogenic (PMID: 11536076, 12417513). This variant is not present in population databases (gnomAD no frequency). This variant has not been reported in the literature in individuals affected with BMPR1A-related conditions. ClinVar contains an entry for this variant (Variation ID: 529920). For these reasons, this variant has been classified as Pathogenic.

Literature cited by the submitters: PubMed 11536076; PubMed 12417513.

NM_004329.3(BMPR1A):c.864dup (p.Leu289fs)

Gene: BMPR1A (bone morphogenetic protein receptor type 1A; plus strand). Cytogenetic location: 10q23.2.
Variant type: Duplication.
Coding change: c.864dup on transcript NM_004329.3 (MANE Select); coding-DNA position 864, one base duplicated (A; older notation c.864dupA).
Protein change: p.Leu289fs; shifts the reading frame from leucine 289.
Molecular consequence: frameshift variant.
Genome position (GRCh38, 1-based): chr10:86,917,322, A duplicated. VCF-style (leftmost placement, unchanged base first): chr10-86917321-T-TA. GRCh37 (hg19) VCF-style: chr10-88677078-T-TA.
Other names: c.864dupA (NM_004329.2); short protein forms L289fs.
Identifiers: ClinVar variation 529920 (VCV000529920.8), dbSNP rs1554890815, ClinGen allele CA658797467.
Genomic context (GRCh38, chr10:86,917,321, plus strand): 5'-AAGCCAGCTGGTTTCGAGAAACAGAAATCTACCAAACTGTGCTAATGCGCCATGAAAACA[T>TA]ACTTGGTGGGTACACACTGATTCAGTCAATTTCATTTTTGACAAGGCTAGTGAGGTACAG-3'